The following is an entry in ClinVar:

NM_001375808.2(LPIN2):c.1830A>C (p.Ser610=)

Gene: LPIN2 (lipin 2; minus strand). Cytogenetic location: 18p11.31.
Variant type: single nucleotide variant.
Coding change: c.1830A>C on transcript NM_001375808.2 (MANE Select); coding-DNA position 1830, A replaced by C.
Protein change: p.Ser610=; no amino-acid change (serine 610 retained).
Molecular consequence: synonymous variant.
Genome position (GRCh38, 1-based): chr18:2,925,332, T>G on the plus strand (A>C on the coding strand, the complement: LPIN2 is on the minus strand). VCF-style: chr18-2925332-T-G. GRCh37 (hg19) VCF-style: chr18-2925330-T-G.
Other names: c.1830A>C, p.Ser610= (NM_001375809.1, NM_014646.2).
Identifiers: ClinVar variation 2648523 (VCV002648523.24), dbSNP rs2510246180, ClinGen allele CA502680974.

ClinVar aggregate classification (germline): Likely benign (1 of 4 stars; one submission).

Allele frequency attached by ClinVar (database versions not stated): gnomAD exomes below 0.00001.
gnomAD v4.1: 1 of 1,614,080 alleles (0.000062%); highest among the groups gnomAD compares: Non-Finnish European, 0.000085%; no homozygotes.

Submission:

CeGaT Center for Human Genetics Tuebingen
Classification: Likely benign. Last evaluated: 2022-03-01. Review status: criteria provided, single submitter. Criteria: CeGaT Center For Human Genetics Tuebingen Variant Classification Criteria Version 2. Collection method: clinical testing. Allele origin: germline. Affected: yes. Observed: 1 variant allele.
Comment: LPIN2: PM2:Supporting, BP4, BP7